The following is an entry in ClinVar:

ClinVar aggregate classification (germline): Uncertain significance (1 of 4 stars; one submission).

Conditions:
EGFR-related lung cancer (EGFR). Identifiers: MedGen CN130014.

Submission:

Labcorp Genetics (formerly Invitae), Labcorp
Classification: Uncertain significance for EGFR-related lung cancer. Last evaluated: 2021-09-25. Review status: criteria provided, single submitter. Criteria: Invitae Variant Classification Sherloc (09022015). Collection method: clinical testing. Allele origin: germline.
Comment: In summary, the available evidence is currently insufficient to determine the role of this variant in disease. Therefore, it has been classified as a Variant of Uncertain Significance. Algorithms developed to predict the effect of missense changes on protein structure and function are either unavailable or do not agree on the potential impact of this missense change (SIFT: "Deleterious"; PolyPhen-2: "Possibly Damaging"; Align-GVGD: "Class C0"). This variant has not been reported in the literature in individuals affected with EGFR-related conditions. This variant is not present in population databases (ExAC no frequency). This sequence change replaces serine with phenylalanine at codon 525 of the EGFR protein (p.Ser525Phe). The serine residue is moderately conserved and there is a large physicochemical difference between serine and phenylalanine.

NM_005228.5(EGFR):c.1574C>T (p.Ser525Phe)

Gene: EGFR (epidermal growth factor receptor; plus strand). Cytogenetic location: 7p11.2.
Variant type: single nucleotide variant.
Coding change: c.1574C>T on transcript NM_005228.5 (MANE Select); coding-DNA position 1574, C replaced by T.
Protein change: p.Ser525Phe; replaces serine 525 with phenylalanine.
Molecular consequence: missense variant.
Genome position (GRCh38, 1-based): chr7:55,161,574, C>T. VCF-style: chr7-55161574-C-T. GRCh37 (hg19) VCF-style: chr7-55229267-C-T.
Other names: c.1439C>T, p.Ser480Phe (NM_001346897.2, NM_001346899.2); c.1574C>T, p.Ser525Phe (NM_001346898.2, NM_201282.2, NM_201284.2); c.1415C>T, p.Ser472Phe (NM_001346900.2); c.773C>T, p.Ser258Phe (NM_001346941.2); short protein forms S525F, S258F, S472F, S480F.
Identifiers: ClinVar variation 1383115 (VCV001383115.6), dbSNP rs2128942914, ClinGen allele CA367579922.